The following is an entry in ClinVar:

NM_000492.4(CFTR):c.4007_4010del (p.Asp1336fs)

Gene: CFTR (CF transmembrane conductance regulator; plus strand). Cytogenetic location: 7q31.2.
Variant type: Deletion.
Coding change: c.4007_4010del on transcript NM_000492.4 (MANE Select); coding-DNA positions 4007 to 4010, 4 bases deleted (ACTT; older notation c.4007_4010delACTT).
Protein change: p.Asp1336fs; shifts the reading frame from aspartic acid 1336.
Molecular consequence: frameshift variant.
Genome position (GRCh38, 1-based): chr7:117,664,731-117,664,734, ACTT deleted. VCF-style (leftmost placement, unchanged base first): chr7-117664730-GACTT-G. GRCh37 (hg19) VCF-style: chr7-117304784-GACTT-G.
Other names: short protein forms D1336fs.
Identifiers: ClinVar variation 1706028 (VCV001706028.1), dbSNP rs2485181698, ClinGen allele CA2580076359.
Genomic context (GRCh38, chr7:117,664,730, plus strand): 5'-TATCTTCTCTAACTGCAGGTTGGGCTCAGATCTGTGATAGAACAGTTTCCTGGGAAGCTT[GACTT>G]TGTCCTTGTGGATGGGGGCTGTGTCCTAAGCCATGGCCACAAGCAGTTGATGTGCTTGGC-3'

ClinVar aggregate classification (germline): Likely pathogenic (1 of 4 stars; one submission).

Conditions:
Cystic fibrosis (CF). Also called: MUCOVISCIDOSIS. Identifiers: Orphanet 586, MedGen C0010674, MONDO:0009061, OMIM 219700. Disease mechanism: loss of function.

Submission:

Institute of Human Genetics, University of Leipzig Medical Center
Classification: Likely pathogenic for Cystic fibrosis. Last evaluated: 2022-09-05. Review status: criteria provided, single submitter. Criteria: ACMG Guidelines, 2015. Collection method: curation. Allele origin: unknown. Affected: yes. Observed: 1 variant allele.
Comment: The variant was classified in the context of a project re-classifying variants in the German Cystic Fibrosis Registry (Muko.e.V.). Criteria applied: PVS1, PM2_SUP